The following is an entry in ClinVar:

NM_000465.4(BARD1):c.117C>T (p.Ala39=)

Gene: BARD1 (BRCA1 associated RING domain 1; minus strand). Cytogenetic location: 2q35.
Variant type: single nucleotide variant.
Coding change: c.117C>T on transcript NM_000465.4 (MANE Select); coding-DNA position 117, C replaced by T.
Protein change: p.Ala39=; no amino-acid change (alanine 39 retained).
Molecular consequence: synonymous variant. On other transcripts: non-coding transcript variant (3).
Genome position (GRCh38, 1-based): chr2:214,809,453, G>A on the plus strand (C>T on the coding strand, the complement: BARD1 is on the minus strand). VCF-style: chr2-214809453-G-A. GRCh37 (hg19) VCF-style: chr2-215674177-G-A.
Other names: c.117C>T, p.Ala39= (NM_001282543.2, NM_001282545.2, NM_001282548.2 and 1 more transcripts).
Identifiers: ClinVar variation 185557 (VCV000185557.55), dbSNP rs786202271, ClinGen allele CA192272.

ClinVar aggregate classification (germline): Benign/Likely benign. Review status: criteria provided, multiple submitters, no conflicts (2 of 4 stars). 13 submissions from 13 submitters: Benign (1); Likely benign (12). Last evaluated 2026-01-25.

Conditions:
Hereditary cancer-predisposing syndrome. Also called: Tumor predisposition; Neoplastic Syndromes, Hereditary; Hereditary Cancer Syndrome; Hereditary neoplastic syndrome. Identifiers: Orphanet 140162, MedGen C0027672, MeSH D009386, MONDO:0015356.
Familial cancer of breast. Also called: hereditary breast carcinoma; BREAST CANCER, FAMILIAL; Hereditary breast cancer. Identifiers: Orphanet 227535, MedGen C0346153, MONDO:0016419, OMIM 114480. Disease mechanism: loss of function.

Allele frequency attached by ClinVar (database versions not stated): TOPMed 0.00002.
gnomAD v4.1: 70 of 1,611,454 alleles (0.0043%); highest among the groups gnomAD compares: Admixed American, 0.033%; no homozygotes.

Submissions (13):

Labcorp Genetics (formerly Invitae), Labcorp
Classification: Likely benign for Familial cancer of breast. Last evaluated: 2026-01-25. Review status: criteria provided, single submitter. Criteria: Invitae Variant Classification Sherloc (09022015). Collection method: clinical testing. Allele origin: germline.

Center for Genomic Medicine, Rigshospitalet, Copenhagen University Hospital
Classification: Likely benign. Last evaluated: 2025-03-04. Review status: criteria provided, single submitter. Criteria: ACMG Guidelines, 2015. Collection method: clinical testing. Allele origin: germline.

Molecular Diagnostics Laboratory, Catalan Institute of Oncology
Classification: Likely benign for Hereditary cancer-predisposing syndrome. Last evaluated: 2024-12-09. Review status: criteria provided, single submitter. Criteria: ACMG Guidelines, 2015. Collection method: clinical testing. Allele origin: germline.
Comment: BP4, BP7 c.117C>T located in exon 1 of the BARD1 gene, is predicted to result in no amino acid change, p.(Ala39=)(BP7). This variant is found in 7/34746 with a filter allele frequency of 0.007% at 99% confidence in the gnomAD v2.1.1 database (Latino non-cancer data set). The SpliceAI algorithm predicts no significant impact on splicing (BP4). The variant has been identified in the ClinVar (10x likely benign) and in the LOVD (1x benign) databases. Based on currently available information, the variant c.117C>T is classified as a likely benign variant according to ACMG guidelines.

Department of Pathology and Laboratory Medicine, Sinai Health System
Classification: Likely benign for Familial cancer of breast. Last evaluated: 2024-09-17. Review status: criteria provided, single submitter. Criteria: ACMG Guidelines, 2015. Collection method: clinical testing. Allele origin: germline. Affected: yes.

Myriad Genetics, Inc.
Classification: Benign for Familial cancer of breast. Last evaluated: 2024-07-18. Review status: criteria provided, single submitter. Criteria: Myriad Autosomal Dominant, Autosomal Recessive and X-Linked Classification Criteria (2023). Collection method: clinical testing. Allele origin: unknown.
Comment: This variant is considered benign. This variant is a silent/synonymous amino acid change and it is not expected to impact splicing.

CeGaT Center for Human Genetics Tuebingen
Classification: Likely benign. Last evaluated: 2023-07-01. Review status: criteria provided, single submitter. Criteria: CeGaT Center For Human Genetics Tuebingen Variant Classification Criteria Version 2. Collection method: clinical testing. Allele origin: germline. Affected: yes. Observed: 2 variant alleles.
Comment: BARD1: BP4, BP7

Women's Health and Genetics/Laboratory Corporation of America, LabCorp
Classification: Likely benign. Last evaluated: 2022-12-15. Review status: criteria provided, single submitter. Criteria: LabCorp Variant Classification Summary - May 2015. Collection method: clinical testing. Allele origin: germline.

Sema4
Classification: Likely benign for Hereditary cancer-predisposing syndrome. Last evaluated: 2021-05-31. Review status: criteria provided, single submitter. Criteria: Sema4 Curation Guidelines. Collection method: curation. Allele origin: germline.

ARUP Laboratories, Molecular Genetics and Genomics, ARUP Laboratories
Classification: Likely benign for Familial cancer of breast. Last evaluated: 2020-10-19. Review status: criteria provided, single submitter. Criteria: ARUP Molecular Germline Variant Investigation Process 2021. Collection method: clinical testing. Allele origin: germline.

GeneDx
Classification: Likely benign. Last evaluated: 2019-08-20. Review status: criteria provided, single submitter. Criteria: GeneDx Variant Classification Process June 2021. Collection method: clinical testing. Allele origin: germline. Affected: yes.

Quest Diagnostics Nichols Institute San Juan Capistrano
Classification: Likely benign. Last evaluated: 2018-06-04. Review status: criteria provided, single submitter. Criteria: Quest Diagnostics criteria. Collection method: clinical testing. Allele origin: germline.

Color Diagnostics, LLC DBA Color Health
Classification: Likely benign for Hereditary cancer-predisposing syndrome. Last evaluated: 2016-05-25. Review status: criteria provided, single submitter. Criteria: ACMG Guidelines, 2015. Collection method: clinical testing. Allele origin: germline.

Ambry Genetics
Classification: Likely benign for Hereditary cancer-predisposing syndrome. Last evaluated: 2014-08-06. Review status: criteria provided, single submitter. Criteria: Ambry Variant Classification Scheme 2023. Collection method: clinical testing. Allele origin: germline.